The following is an entry in ClinVar:

ClinVar aggregate classification (germline): Likely pathogenic. Review status: criteria provided, multiple submitters, no conflicts (2 of 4 stars). 4 submissions from 4 submitters: Likely pathogenic (4). Last evaluated 2026-08-07.

Conditions:
Familial thoracic aortic aneurysm and aortic dissection (TAAD). Also called: Thoracic aortic aneurysms and dissections. Identifiers: Orphanet 91387, MedGen C4707243, MONDO:0019625.
HYPERHOMOCYSTEINEMIA, THROMBOTIC, CBS-RELATED. Identifiers: MedGen C3150344, OMIM 236200.
Classic homocystinuria. Also called: HOMOCYSTINURIA WITH OR WITHOUT RESPONSE TO PYRIDOXINE; Homocystinuria due to Cystathionine Beta-Synthase Deficiency; Homocystinuria due to CBS deficiency; Cystathionine beta-synthase deficiency; CBS deficiency. Identifiers: Orphanet 394, MedGen C0751202, MONDO:0009352, OMIM 236200.

Submissions (4):

Ambry Genetics
Classification: Likely pathogenic for Familial thoracic aortic aneurysm and aortic dissection. Last evaluated: 2026-08-07. Review status: criteria provided, single submitter. Criteria: Ambry Variant Classification Scheme 2023. Collection method: clinical testing. Allele origin: germline.
Comment: The p.L456P variant (also known as c.1367T>C), located in coding exon 13 of the CBS gene, results from a T to C substitution at nucleotide position 1367. The leucine at codon 456 is replaced by proline, an amino acid with similar properties. This variant has been identified in the homozygous state and/or in conjunction with other CBS variant(s) in individual(s) with features consistent with CBS-related homocystinuria (Urreizti R et al. Hum Mutat, 2003 Jul;22:103). In multiple assays testing CBS function, this variant showed functionally abnormal and functionally normal results (Urreizti R et al. Hum Mutat, 2006 Feb;27:211; Mayfield JA et al. Genetics, 2012 Apr;190:1309-23; Sun S et al. Genome Med, 2020 Jan;12:13). This variant is considered to be rare based on population cohorts in the Genome Aggregation Database (gnomAD). This amino acid position is highly conserved in available vertebrate species. In addition, this alteration is predicted to be deleterious by in silico analysis. Based on the majority of available evidence to date, this variant is likely to be pathogenic.

Labcorp Genetics (formerly Invitae), Labcorp
Classification: Likely pathogenic for HYPERHOMOCYSTEINEMIA, THROMBOTIC, CBS-RELATED. Last evaluated: 2025-04-23. Review status: criteria provided, single submitter. Criteria: Invitae Variant Classification Sherloc (09022015). Collection method: clinical testing. Allele origin: germline.
Comment: This sequence change replaces leucine, which is neutral and non-polar, with proline, which is neutral and non-polar, at codon 456 of the CBS protein (p.Leu456Pro). This variant is not present in population databases (gnomAD no frequency). This missense change has been observed in individual(s) with homocystinuria (PMID: 12815602). ClinVar contains an entry for this variant (Variation ID: 858640). Invitae Evidence Modeling of protein sequence and biophysical properties (such as structural, functional, and spatial information, amino acid conservation, physicochemical variation, residue mobility, and thermodynamic stability) indicates that this missense variant is expected to disrupt CBS protein function with a positive predictive value of 95%. Experimental studies have shown that this missense change affects CBS function (PMID: 16429402, 22267502). In summary, the currently available evidence indicates that the variant is pathogenic, but additional data are needed to prove that conclusively. Therefore, this variant has been classified as Likely Pathogenic.

Natera, Inc.
Classification: Likely pathogenic for Homocystinuria due to cystathionine beta-synthase deficiency. Last evaluated: 2024-09-29. Review status: criteria provided, single submitter. Criteria: Natera Variant Classification Schema (03/2026). Collection method: clinical testing. Allele origin: germline.
Comment: The c.1367T>C variant in CBS is a missense variant predicted to cause substitution of leucine to proline at amino acid 456. This variant is rare in the general population with a frequency below the threshold expected for the associated phenotype(s). This variant has been observed in one or more individuals affected with the associated recessive disease, as either homozygous or compound heterozygous with a second variant (PMID: 12815602). This variant has been identified in one or more affected individuals with a phenotype highly consistent with the associated gene (PMID: 12815602). Functional studies show that this variant may disrupt protein function (PMID: 12815602). Computational prediction algorithms indicate this variant is likely to affect gene or protein function. Given the available evidence, this variant is classified as Likely Pathogenic.

Baylor Genetics
Classification: Likely pathogenic for Classic homocystinuria. Last evaluated: 2024-02-12. Review status: criteria provided, single submitter. Criteria: ACMG Guidelines, 2015. Collection method: clinical testing. Allele origin: unknown.

Literature cited by the submitters: PubMed 12815602 (cited by 3 submitters); PubMed 16429402 (cited by Ambry Genetics and Labcorp Genetics (formerly Invitae), Labcorp); PubMed 22267502 (cited by Ambry Genetics and Labcorp Genetics (formerly Invitae), Labcorp); PubMed 32000841 (cited by Ambry Genetics).

NM_000071.3(CBS):c.1367T>C (p.Leu456Pro)

Gene: CBS (cystathionine beta-synthase; minus strand). Cytogenetic location: 21q22.3.
Variant type: single nucleotide variant.
Coding change: c.1367T>C on transcript NM_000071.3 (MANE Select); coding-DNA position 1367, T replaced by C.
Protein change: p.Leu456Pro; replaces leucine 456 with proline.
Molecular consequence: missense variant.
Genome position (GRCh38, 1-based): chr21:43,058,245, A>G on the plus strand (T>C on the coding strand, the complement: CBS is on the minus strand). VCF-style: chr21-43058245-A-G. GRCh37 (hg19) VCF-style: chr21-44478355-A-G.
Other names: c.1367T>C, p.Leu456Pro (NM_001178008.3, NM_001178009.3, NM_001320298.2); c.1052T>C, p.Leu351Pro (NM_001321072.1); short protein forms L351P, L456P.
Identifiers: ClinVar variation 858640 (VCV000858640.13), dbSNP rs1981524462, ClinGen allele CA410396812.
Genomic context (GRCh38, chr21:43,058,245, plus strand): 5'-GACGGCTGCACCTTCCCGGCAAGCAGGGACGAGAGCATGTTCCCAAGCGTCACCATTCCC[A>G]GGATTACCCTGTGGGACGGGGGCAGGCAGGGGTCAGCGCTCATACCTCACCCCTCCCAGG-3'
Protein context (NP_000062.1, residues 446-466): APVVDEAGVI[Leu456Pro]GMVTLGNMLS